The following is an entry in ClinVar:

NM_153689.6(C2orf69):c.216C>G (p.Leu72=)

Gene: C2orf69 (chromosome 2 open reading frame 69; plus strand). Cytogenetic location: 2q33.1.
Variant type: single nucleotide variant.
Coding change: c.216C>G on transcript NM_153689.6 (MANE Select); coding-DNA position 216, C replaced by G.
Protein change: p.Leu72=; no amino-acid change (leucine 72 retained).
Molecular consequence: synonymous variant.
Genome position (GRCh38, 1-based): chr2:199,911,654, C>G. VCF-style: chr2-199911654-C-G. GRCh37 (hg19) VCF-style: chr2-200776377-C-G.
Identifiers: ClinVar variation 5041034 (VCV005041034.1).

ClinVar aggregate classification (germline): Likely benign (1 of 4 stars; one submission).

gnomAD v4.1: 18 of 1,549,182 alleles (0.0012%); highest among the groups gnomAD compares: South Asian, 0.0048%; no homozygotes.

Submission:

CeGaT Center for Human Genetics Tuebingen
Classification: Likely benign. Last evaluated: 2026-09-01. Review status: criteria provided, single submitter. Criteria: CeGaT Center For Human Genetics Tuebingen Variant Classification Criteria Version 2. Collection method: clinical testing. Allele origin: germline. Affected: yes. Observed: 1 variant allele.
Comment: C2orf69: BP4, BP7